The following is an entry in ClinVar:

ClinVar aggregate classification (germline): Uncertain significance. Review status: criteria provided, multiple submitters, no conflicts (2 of 4 stars). 2 submissions from 2 submitters: Uncertain significance (2). Last evaluated 2025-09-02.

Allele frequency attached by ClinVar (database versions not stated): gnomAD exomes below 0.00001; TOPMed below 0.00001; ExAC 0.00001.
gnomAD v4.1: 4 of 1,614,152 alleles (0.00025%); highest among the groups gnomAD compares: Non-Finnish European, 0.00025%; no homozygotes.

Submissions (2):

Labcorp Genetics (formerly Invitae), Labcorp
Classification: Uncertain significance. Last evaluated: 2025-09-02. Review status: criteria provided, single submitter. Criteria: Invitae Variant Classification Sherloc (09022015). Collection method: clinical testing. Allele origin: germline.
Comment: This sequence change replaces arginine, which is basic and polar, with glutamine, which is neutral and polar, at codon 1169 of the KAT6A protein (p.Arg1169Gln). This variant is not present in population databases (gnomAD no frequency). This variant has not been reported in the literature in individuals affected with KAT6A-related conditions. ClinVar contains an entry for this variant (Variation ID: 2986633). Invitae Evidence Modeling of protein sequence and biophysical properties (such as structural, functional, and spatial information, amino acid conservation, physicochemical variation, residue mobility, and thermodynamic stability) indicates that this missense variant is not expected to disrupt KAT6A protein function with a negative predictive value of 95%. In summary, the available evidence is currently insufficient to determine the role of this variant in disease. Therefore, it has been classified as a Variant of Uncertain Significance.

Blueprint Genetics
Classification: Uncertain significance. Last evaluated: 2023-10-02. Review status: criteria provided, single submitter. Criteria: ACMG Guidelines, 2015. Collection method: clinical testing. Allele origin: germline.

NM_006766.5(KAT6A):c.3506G>A (p.Arg1169Gln)

Gene: KAT6A (lysine acetyltransferase 6A; minus strand). Cytogenetic location: 8p11.21.
Variant type: single nucleotide variant.
Coding change: c.3506G>A on transcript NM_006766.5 (MANE Select); coding-DNA position 3506, G replaced by A.
Protein change: p.Arg1169Gln; replaces arginine 1169 with glutamine.
Molecular consequence: missense variant.
Genome position (GRCh38, 1-based): chr8:41,934,714, C>T on the plus strand (G>A on the coding strand, the complement: KAT6A is on the minus strand). VCF-style: chr8-41934714-C-T. GRCh37 (hg19) VCF-style: chr8-41792232-C-T.
Other names: short protein forms R1169Q.
Identifiers: ClinVar variation 2986633 (VCV002986633.4), dbSNP rs752123557, ClinGen allele CA4729664.